The following is an entry in ClinVar:

NM_024642.5(GALNT12):c.720G>A (p.Pro240=)

Gene: GALNT12 (polypeptide N-acetylgalactosaminyltransferase 12; plus strand). Cytogenetic location: 9q22.33.
Variant type: single nucleotide variant.
Coding change: c.720G>A on transcript NM_024642.5 (MANE Select); coding-DNA position 720, G replaced by A.
Protein change: p.Pro240=; no amino-acid change (proline 240 retained).
Molecular consequence: synonymous variant.
Genome position (GRCh38, 1-based): chr9:98,826,930, G>A. VCF-style: chr9-98826930-G-A. GRCh37 (hg19) VCF-style: chr9-101589212-G-A.
Identifiers: ClinVar variation 1757713 (VCV001757713.3), dbSNP rs927498431, ClinGen allele CA466423855.

ClinVar aggregate classification (germline): Benign/Likely benign. Review status: criteria provided, multiple submitters, no conflicts (2 of 4 stars). 2 submissions from 2 submitters: Benign (1); Likely benign (1). Last evaluated 2026-04-24.

Conditions:
Colorectal cancer, susceptibility to, 1. Also called: COLORECTAL ADENOMA AND CANCER, SUSCEPTIBILITY TO; COLORECTAL CANCER, SUSCEPTIBILITY TO, ON CHROMOSOME 9. Identifiers: MedGen C1837315, MONDO:0012132, OMIM 608812.

gnomAD v4.1: 3 of 1,562,562 alleles (0.00019%); highest among the groups gnomAD compares: South Asian, 0.0012%; no homozygotes.

Submissions (2):

Myriad Genetics, Inc.
Classification: Benign for Colorectal cancer, susceptibility to, 1. Last evaluated: 2026-04-24. Review status: criteria provided, single submitter. Criteria: Myriad Autosomal Dominant, Autosomal Recessive and X-Linked Classification Criteria (2023). Collection method: clinical testing. Allele origin: unknown.
Comment: This variant is considered benign. This variant is a silent/synonymous amino acid change and it is not expected to impact splicing.

Ambry Genetics
Classification: Likely benign. Last evaluated: 2020-02-11. Review status: criteria provided, single submitter. Criteria: Ambry Variant Classification Scheme 2023. Collection method: clinical testing. Allele origin: germline.